The following is an entry in ClinVar:

ClinVar aggregate classification (germline): Uncertain significance. Review status: criteria provided, multiple submitters, no conflicts (2 of 4 stars). 2 submissions from 2 submitters: Uncertain significance (2). Last evaluated 2025-03-14.

Conditions:
Inborn genetic diseases. Identifiers: MedGen C0950123, MeSH D030342.

Allele frequency attached by ClinVar (database versions not stated): gnomAD exomes below 0.00001.

Submissions (2):

Ambry Genetics
Classification: Uncertain significance for Inborn genetic diseases. Last evaluated: 2025-03-14. Review status: criteria provided, single submitter. Criteria: Ambry Variant Classification Scheme 2023. Collection method: clinical testing. Allele origin: germline.
Comment: The p.V277I variant (also known as c.829G>A), located in coding exon 1 of the SAMD9 gene, results from a G to A substitution at nucleotide position 829. The valine at codon 277 is replaced by isoleucine, an amino acid with highly similar properties. This amino acid position is conserved. In addition, this alteration is predicted to be tolerated by in silico analysis. Based on the available evidence, the clinical significance of this variant remains unclear.

Labcorp Genetics (formerly Invitae), Labcorp
Classification: Uncertain significance. Last evaluated: 2024-08-18. Review status: criteria provided, single submitter. Criteria: Invitae Variant Classification Sherloc (09022015). Collection method: clinical testing. Allele origin: germline.
Comment: This sequence change replaces valine, which is neutral and non-polar, with isoleucine, which is neutral and non-polar, at codon 277 of the SAMD9 protein (p.Val277Ile). This variant is present in population databases (no rsID available, gnomAD 0.003%). This variant has not been reported in the literature in individuals affected with SAMD9-related conditions. Invitae Evidence Modeling of protein sequence and biophysical properties (such as structural, functional, and spatial information, amino acid conservation, physicochemical variation, residue mobility, and thermodynamic stability) indicates that this missense variant is not expected to disrupt SAMD9 protein function with a negative predictive value of 95%. In summary, the available evidence is currently insufficient to determine the role of this variant in disease. Therefore, it has been classified as a Variant of Uncertain Significance.

NM_017654.4(SAMD9):c.829G>A (p.Val277Ile)

Gene: SAMD9 (sterile alpha motif domain containing 9; minus strand). Cytogenetic location: 7q21.2.
Variant type: single nucleotide variant.
Coding change: c.829G>A on transcript NM_017654.4 (MANE Select); coding-DNA position 829, G replaced by A.
Protein change: p.Val277Ile; replaces valine 277 with isoleucine.
Molecular consequence: missense variant.
Genome position (GRCh38, 1-based): chr7:93,105,269, C>T on the plus strand (G>A on the coding strand, the complement: SAMD9 is on the minus strand). VCF-style: chr7-93105269-C-T. GRCh37 (hg19) VCF-style: chr7-92734582-C-T.
Other names: c.829G>A, p.Val277Ile (NM_001193307.2); c.829G>A (NM_017654.3); short protein forms V277I.
Identifiers: ClinVar variation 2793316 (VCV002793316.4), dbSNP rs1445516752, ClinGen allele CA368203680.
Genomic context (GRCh38, chr7:93,105,269, plus strand): 5'-TATTTGGCAGTAAAACTTCCACAAATCTTGGCTCTCGAATGCACTTCTTTGCTTGTTGGA[C>T]TTGATGGTCTTCAAAATACTTGTTTATCATCAGATTGAAATGGTTAATGAGGGCTTCCTT-3'
Protein context (NP_060124.2, residues 267-287): MINKYFEDHQ[Val277Ile]QQAKKCIREP